The following is an entry in ClinVar:

ClinVar aggregate classification (germline): Uncertain significance (1 of 4 stars; one submission).

Submission:

Dasa
Classification: Uncertain significance. Last evaluated: 2026-04-06. Review status: criteria provided, single submitter. Criteria: DASA Assertion Criteria. Collection method: clinical testing. Allele origin: germline.
Comment: NM_003124.5(SPR):c.313G>C (p.Gly105Arg) is a missense variant that results in the substitution of glycine with arginine. This variant is rare in population databases. Computational prediction algorithms are consistent with a deleterious effect. The currently available literature and clinical evidence are not sufficient to establish a definitive association between this variant and the reported condition. Therefore, this variant is classified as a variant of uncertain significance.

NM_003124.5(SPR):c.313G>C (p.Gly105Arg)

Gene: SPR (sepiapterin reductase; plus strand). Cytogenetic location: 2p13.2.
Variant type: single nucleotide variant.
Coding change: c.313G>C on transcript NM_003124.5 (MANE Select); coding-DNA position 313, G replaced by C.
Protein change: p.Gly105Arg; replaces glycine 105 with arginine.
Molecular consequence: missense variant.
Genome position (GRCh38, 1-based): chr2:72,888,322, G>C. VCF-style: chr2-72888322-G-C. GRCh37 (hg19) VCF-style: chr2-73115451-G-C.
Other names: short protein forms G105R.
Identifiers: ClinVar variation 4881839 (VCV004881839.2).